The following is an entry in ClinVar:

NM_000094.4(COL7A1):c.6286G>A (p.Val2096Met)

Gene: COL7A1 (collagen type VII alpha 1 chain; minus strand). Cytogenetic location: 3p21.31.
Variant type: single nucleotide variant.
Coding change: c.6286G>A on transcript NM_000094.4 (MANE Select); coding-DNA position 6286, G replaced by A.
Protein change: p.Val2096Met; replaces valine 2096 with methionine.
Molecular consequence: missense variant.
Genome position (GRCh38, 1-based): chr3:48,574,859, C>T on the plus strand (G>A on the coding strand, the complement: COL7A1 is on the minus strand). VCF-style: chr3-48574859-C-T. GRCh37 (hg19) VCF-style: chr3-48612292-C-T.
Other names: short protein forms V2096M.
Identifiers: ClinVar variation 1431091 (VCV001431091.5), dbSNP rs749388962, ClinGen allele CA2379105.

ClinVar aggregate classification (germline): Uncertain significance (1 of 4 stars; one submission).

Allele frequency attached by ClinVar (database versions not stated): gnomAD exomes below 0.00001 and 0.00001; ExAC 0.00001.

Submission:

Labcorp Genetics (formerly Invitae), Labcorp
Classification: Uncertain significance. Last evaluated: 2021-08-27. Review status: criteria provided, single submitter. Criteria: Invitae Variant Classification Sherloc (09022015). Collection method: clinical testing. Allele origin: germline.
Comment: This sequence change replaces valine with methionine at codon 2096 of the COL7A1 protein (p.Val2096Met). The valine residue is weakly conserved and there is a small physicochemical difference between valine and methionine. This variant is present in population databases (rs749388962, ExAC 0.002%). This variant has not been reported in the literature in individuals affected with COL7A1-related conditions. Advanced modeling of protein sequence and biophysical properties (such as structural, functional, and spatial information, amino acid conservation, physicochemical variation, residue mobility, and thermodynamic stability) performed at Invitae indicates that this missense variant is not expected to disrupt COL7A1 protein function. In summary, the available evidence is currently insufficient to determine the role of this variant in disease. Therefore, it has been classified as a Variant of Uncertain Significance.